The following is an entry in ClinVar:

ClinVar aggregate classification (germline): Uncertain significance (1 of 4 stars; one submission).

Conditions:
PKD1-related disorder. Also called: PKD1-related condition.

gnomAD v4.1: 75 of 1,610,438 alleles (0.0047%); highest among the groups gnomAD compares: Non-Finnish European, 0.0062%; no homozygotes.

Submission:

PreventionGenetics, part of Exact Sciences
Classification: Uncertain significance for PKD1-related condition. Last evaluated: 2025-09-14. Review status: criteria provided, single submitter. Criteria: ACMG Guidelines, 2015. Collection method: clinical testing. Allele origin: germline.
Comment: The PKD1 c.6763C>A variant is predicted to result in the amino acid substitution p.Arg2255Ser. To our knowledge, this variant has not been reported in the literature. This variant is reported in 0.0062% of alleles in individuals of African descent in gnomAD. At this time, the clinical significance of this variant is uncertain due to the absence of conclusive functional and genetic evidence.

NM_001009944.3(PKD1):c.6763C>A (p.Arg2255Ser)

Gene: PKD1 (polycystin 1, transient receptor potential channel interacting; minus strand). Cytogenetic location: 16p13.3.
Variant type: single nucleotide variant.
Coding change: c.6763C>A on transcript NM_001009944.3 (MANE Select); coding-DNA position 6763, C replaced by A.
Protein change: p.Arg2255Ser; replaces arginine 2255 with serine.
Molecular consequence: missense variant.
Genome position (GRCh38, 1-based): chr16:2,108,404, G>T on the plus strand (C>A on the coding strand, the complement: PKD1 is on the minus strand). VCF-style: chr16-2108404-G-T. GRCh37 (hg19) VCF-style: chr16-2158405-G-T.
Other names: c.6763C>A, p.Arg2255Ser (NM_000296.4); short protein forms R2255S.
Identifiers: ClinVar variation 4978081 (VCV004978081.1).
Genomic context (GRCh38, chr16:2,108,404, plus strand): 5'-CCAGGTCCCGTGTGTCTGACCACACGCGGTATGAGCCACCCTCAATGATGGGCACCAGGC[G>T]CTCGGGGGCCACCGTCACATTGGCCTGGATGCTCTGTGTCAGTGGCGTGTCCCCAAATGA-3'
Protein context (NP_001009944.3, residues 2245-2265): IQANVTVAPE[Arg2255Ser]LVPIIEGGSY